The following is an entry in ClinVar:

NM_025114.4(CEP290):c.1405A>T (p.Lys469Ter)

Gene: CEP290 (centrosomal protein 290; minus strand). Cytogenetic location: 12q21.32.
Variant type: single nucleotide variant.
Coding change: c.1405A>T on transcript NM_025114.4 (MANE Select); coding-DNA position 1405, A replaced by T.
Protein change: p.Lys469Ter; replaces lysine 469 with a stop codon.
Molecular consequence: nonsense.
Genome position (GRCh38, 1-based): chr12:88,120,231, T>A on the plus strand (A>T on the coding strand, the complement: CEP290 is on the minus strand). VCF-style: chr12-88120231-T-A. GRCh37 (hg19) VCF-style: chr12-88514008-T-A.
Other names: short protein forms K469*.
Identifiers: ClinVar variation 1453385 (VCV001453385.6), dbSNP rs1361189290, ClinGen allele CA385980129.
Genomic context (GRCh38, chr12:88,120,231, plus strand): 5'-GTTTATTGATTTCCTTTGTTAATATTTCAATCTCTCGATCTCTTATTTTAATTTGGTTTT[T>A]ACAATTCTTTATTTCAACGACAGCATCTTCTAAACCATATACTCCCTGAAAAATATCCAA-3'

ClinVar aggregate classification (germline): Pathogenic (1 of 4 stars; one submission).

Conditions:
Nephronophthisis. Also called: Juvenile Nephronophthisis. Identifiers: Orphanet 655, MedGen C0687120, MONDO:0019005, HP:0000090.
Meckel-Gruber syndrome. Also called: DYSENCEPHALIA SPLANCHNOCYSTICA; GRUBER SYNDROME; Dysencephalia splachnocystica. Identifiers: Orphanet 564, MedGen C0265215, MONDO:0018921.
Joubert syndrome. Also called: CEREBELLOPARENCHYMAL DISORDER IV; JOUBERT-BOLTSHAUSER SYNDROME; Familial aplasia of the vermis. Identifiers: Orphanet 475, MedGen C5979921, MONDO:0018772.

Submission:

Labcorp Genetics (formerly Invitae), Labcorp
Classification: Pathogenic for Joubert syndrome; Meckel-Gruber syndrome; Nephronophthisis. Last evaluated: 2020-12-12. Review status: criteria provided, single submitter. Criteria: Invitae Variant Classification Sherloc (09022015). Collection method: clinical testing. Allele origin: germline.
Comment: For these reasons, this variant has been classified as Pathogenic. This variant has not been reported in the literature in individuals with CEP290-related conditions. This variant is not present in population databases (ExAC no frequency). This sequence change creates a premature translational stop signal (p.Lys469*) in the CEP290 gene. It is expected to result in an absent or disrupted protein product. Loss-of-function variants in CEP290 are known to be pathogenic (PMID: 16909394, 17345604, 20690115, 25377065, 28559085).

Literature cited by the submitters: PubMed 16909394; PubMed 17345604; PubMed 20690115; PubMed 25377065; PubMed 28559085.